The following is an entry in ClinVar:

NM_001375524.1(TRRAP):c.1587G>A (p.Lys529=)

Gene: TRRAP (transformation/transcription domain associated protein; plus strand). Cytogenetic location: 7q22.1.
Variant type: single nucleotide variant.
Coding change: c.1587G>A on transcript NM_001375524.1 (MANE Select); coding-DNA position 1587, G replaced by A.
Protein change: p.Lys529=; no amino-acid change (lysine 529 retained).
Molecular consequence: synonymous variant.
Genome position (GRCh38, 1-based): chr7:98,910,292, G>A. VCF-style: chr7-98910292-G-A. GRCh37 (hg19) VCF-style: chr7-98507915-G-A.
Other names: c.1587G>A, p.Lys529= (NM_001244580.2, NM_003496.4); c.1587G>A (NM_003496.3).
Identifiers: ClinVar variation 2044721 (VCV002044721.6), dbSNP rs141794174, ClinGen allele CA4359572.

ClinVar aggregate classification (germline): Benign/Likely benign. Review status: criteria provided, multiple submitters, no conflicts (2 of 4 stars). 3 submissions from 3 submitters: Benign (1); Likely benign (1). 1 of the submissions does not count toward it. Last evaluated 2026-01-26.

Conditions:
TRRAP-related disorder. Also called: TRRAP-related condition.

Allele frequency attached by ClinVar (database versions not stated): gnomAD exomes 0.00018; ExAC 0.00049; 1000 Genomes Project 30x 0.00141; ESP Exome Variant Server 0.00146; gnomAD 0.00155; TOPMed 0.00170; 1000 Genomes Project 0.00180.
gnomAD v4.1: 516 of 1,602,328 alleles (0.032%); highest among the groups gnomAD compares: African/African-American, 0.59%; 1 homozygote.

Submissions (3):

Labcorp Genetics (formerly Invitae), Labcorp
Classification: Benign. Last evaluated: 2026-01-26. Review status: criteria provided, single submitter. Criteria: Invitae Variant Classification Sherloc (09022015). Collection method: clinical testing. Allele origin: germline.

Blueprint Genetics
Classification: Likely benign. Last evaluated: 2024-10-18. Review status: criteria provided, single submitter. Criteria: ACMG Guidelines, 2015. Collection method: clinical testing. Allele origin: germline.

PreventionGenetics, part of Exact Sciences
Classification: Likely benign for TRRAP-related condition. Last evaluated: 2024-09-18. Review status: no assertion criteria provided. Collection method: clinical testing. Allele origin: germline. Not counted in ClinVar's aggregate classification.
Comment: This variant is classified as likely benign based on ACMG/AMP sequence variant interpretation guidelines (Richards et al. 2015 PMID: 25741868, with internal and published modifications).